The following is an entry in ClinVar:

ClinVar aggregate classification (germline): Uncertain significance (1 of 4 stars; one submission).

Conditions:
Fanconi-Bickel syndrome (FBS). Also called: Glycogen storage disease due to GLUT2 deficiency; HEPATIC GLYCOGENOSIS WITH AMINO ACIDURIA AND GLUCOSURIA; HEPATIC GLYCOGENOSIS WITH FANCONI NEPHROPATHY; HEPATORENAL GLYCOGENOSIS WITH RENAL FANCONI SYNDROME; PSEUDO-PHLORIZIN DIABETES; FANCONI SYNDROME WITH INTESTINAL MALABSORPTION AND GALACTOSE INTOLERANCE. Identifiers: Orphanet 2088, MedGen C3495427, MONDO:0009216, OMIM 227810.

Allele frequency attached by ClinVar (database versions not stated): TOPMed below 0.00001; gnomAD exomes 0.00001; ExAC 0.00002.
gnomAD v4.1: 4 of 1,613,674 alleles (0.00025%); highest among the groups gnomAD compares: Admixed American, 0.0067%; no homozygotes.

Submission:

Labcorp Genetics (formerly Invitae), Labcorp
Classification: Uncertain significance for Fanconi-Bickel syndrome. Last evaluated: 2022-06-06. Review status: criteria provided, single submitter. Criteria: Invitae Variant Classification Sherloc (09022015). Collection method: clinical testing. Allele origin: germline.
Comment: This sequence change replaces leucine, which is neutral and non-polar, with arginine, which is basic and polar, at codon 468 of the SLC2A2 protein (p.Leu468Arg). This variant is present in population databases (rs770197371, gnomAD 0.01%). This variant has not been reported in the literature in individuals affected with SLC2A2-related conditions. Advanced modeling of protein sequence and biophysical properties (such as structural, functional, and spatial information, amino acid conservation, physicochemical variation, residue mobility, and thermodynamic stability) performed at Invitae indicates that this missense variant is expected to disrupt SLC2A2 protein function. In summary, the available evidence is currently insufficient to determine the role of this variant in disease. Therefore, it has been classified as a Variant of Uncertain Significance.

NM_000340.2(SLC2A2):c.1403T>G (p.Leu468Arg)

Gene: SLC2A2 (solute carrier family 2 member 2; minus strand). Cytogenetic location: 3q26.2.
Variant type: single nucleotide variant.
Coding change: c.1403T>G on transcript NM_000340.2 (MANE Select); coding-DNA position 1403, T replaced by G.
Protein change: p.Leu468Arg; replaces leucine 468 with arginine.
Molecular consequence: missense variant.
Genome position (GRCh38, 1-based): chr3:170,998,075, A>C on the plus strand (T>G on the coding strand, the complement: SLC2A2 is on the minus strand). VCF-style: chr3-170998075-A-C. GRCh37 (hg19) VCF-style: chr3-170715864-A-C.
Other names: c.1046T>G, p.Leu349Arg (NM_001278658.2); c.884T>G, p.Leu295Arg (NM_001278659.2); short protein forms L468R, L295R, L349R.
Identifiers: ClinVar variation 2147530 (VCV002147530.1), dbSNP rs770197371, ClinGen allele CA2702405.
Genomic context (GRCh38, chr3:170,998,075, plus strand): 5'-TTGGTTTCTGGAACTTTAAAAAATGTGAACAGGGTAAAGGCCAGGAGCACTCCAGCAAAG[A>C]GGAAAAACACATAAGGTCCACAGAAGTCCTGGATAGAAAGCAAACACAGACTTTGAGTTA-3'
Protein context (NP_000331.1, residues 458-478): ADFCGPYVFF[Leu468Arg]FAGVLLAFTL